The following is an entry in ClinVar:

ClinVar aggregate classification (germline): Uncertain significance (1 of 4 stars; one submission).

Conditions:
Fanconi anemia (FA). Also called: Fanconi's anemia. Identifiers: Orphanet 84, MedGen C0015625, MeSH D005199, MONDO:0019391.

gnomAD v4.1: 4 of 1,614,238 alleles (0.00025%); highest among the groups gnomAD compares: South Asian, 0.0044%; no homozygotes.

Submission:

Labcorp Genetics (formerly Invitae), Labcorp
Classification: Uncertain significance for Fanconi anemia. Last evaluated: 2020-03-30. Review status: criteria provided, single submitter. Criteria: Invitae Variant Classification Sherloc (09022015). Collection method: clinical testing. Allele origin: germline.
Comment: In summary, the available evidence is currently insufficient to determine the role of this variant in disease. Therefore, it has been classified as a Variant of Uncertain Significance. Algorithms developed to predict the effect of missense changes on protein structure and function are either unavailable or do not agree on the potential impact of this missense change (SIFT: "Deleterious"; PolyPhen-2: "Benign"; Align-GVGD: "Class C15"). This variant has not been reported in the literature in individuals with SLX4-related conditions. This variant is not present in population databases (ExAC no frequency). This sequence change replaces asparagine with isoleucine at codon 1691 of the SLX4 protein (p.Asn1691Ile). The asparagine residue is weakly conserved and there is a large physicochemical difference between asparagine and isoleucine.

NM_032444.4(SLX4):c.5072A>T (p.Asn1691Ile)

Gene: SLX4 (SLX4 structure-specific endonuclease subunit; minus strand). Cytogenetic location: 16p13.3.
Variant type: single nucleotide variant.
Coding change: c.5072A>T on transcript NM_032444.4 (MANE Select); coding-DNA position 5072, A replaced by T.
Protein change: p.Asn1691Ile; replaces asparagine 1691 with isoleucine.
Molecular consequence: missense variant.
Genome position (GRCh38, 1-based): chr16:3,583,178, T>A on the plus strand (A>T on the coding strand, the complement: SLX4 is on the minus strand). VCF-style: chr16-3583178-T-A. GRCh37 (hg19) VCF-style: chr16-3633179-T-A.
Other names: short protein forms N1691I.
Identifiers: ClinVar variation 1054981 (VCV001054981.9), dbSNP rs551385115, ClinGen allele CA394514625.